The following is an entry in ClinVar:

NM_001034853.2(RPGR):c.665del (p.Lys221_Leu222insTer)

Gene: RPGR (retinitis pigmentosa GTPase regulator; minus strand). Cytogenetic location: Xp11.4.
Variant type: Deletion.
Coding change: c.665del on transcript NM_001034853.2 (MANE Select); coding-DNA position 665, one base deleted (T; older notation c.665delT).
Protein change: p.Lys221_Leu222insTer.
Molecular consequence: nonsense. On other transcripts: non-coding transcript variant (6).
Genome position (GRCh38, 1-based): chrX:38,310,728, A deleted on the plus strand (T on the coding strand, the reverse complement: RPGR is on the minus strand); the first of 2 consecutive A bases (chrX:38,310,728-38,310,729); deleting either gives the same sequence. VCF-style (leftmost placement, unchanged base first): chrX-38310727-TA-T. GRCh37 (hg19) VCF-style: chrX-38169980-TA-T.
Other names: c.665del, p.Lys221_Leu222insTer (NM_000328.3, NM_001367246.1, NM_001367247.1 and 1 more transcripts); c.662del, p.Lys220_Leu221insTer (NM_001367245.1, NM_001367249.1, NM_001367250.1); c.695del, p.Lys231_Leu232insTer (NM_001367248.1).
Identifiers: ClinVar variation 2505352 (VCV002505352.2), dbSNP rs2519866350, ClinGen allele CA2580616970.
Genomic context (GRCh38, chrX:38,310,727, plus strand): 5'-CGGAATTTCAGACACCAGCTGGGGTGTTCTGTGATTGCCCAGGAGCTGATTGGGAAGACC[TA>T]ACTTCCCATTCTCAGGTTCTCCAAACACATATAGCTCACCATCTGCTATTGAAGGAAAAG-3'

ClinVar aggregate classification (germline): Likely pathogenic (1 of 4 stars; one submission).

Conditions:
Retinitis pigmentosa 3. Also called: CHOROIDORETINAL DEGENERATION WITH RETINAL REFLEX IN HETEROZYGOUS WOMEN. Identifiers: Orphanet 791, MedGen C1845667, MONDO:0010227, OMIM 300029.

Submission:

Diagnostics Services (NGS), CSIR - Centre For Cellular And Molecular Biology
Classification: Likely pathogenic for Retinitis pigmentosa 3. Last evaluated: 2023-06-01. Review status: criteria provided, single submitter. Criteria: ACMG Guidelines, 2015. Collection method: clinical testing. Allele origin: unknown. Observed: 1 variant allele, 1 heterozygote.
Comment: The c.665del variant is not present in publicly available population databases like 1000 Genomes, ExAC, EVS, Indian Exome Database or our in-house exome database. The variant has neither been published in literature nor reported to clinical databases like in ClinVar, Human Gene Mutation Database (HGMD) or OMIM, in any affected individuals. In-silico pathogenicity prediction programs like MutationTaster2, CADD, Varsome, Franklin etc predicted this variant to be likely deleterious. This variant causes frameshift at the 222nd amino acid position of the wild-type transcript which creates a premature translational stop signal in the altered transcript that may either result in translation of a truncated protein or cause nonsense-mediated decay of the mRNA.